The following is an entry in ClinVar:

ClinVar aggregate classification (germline): Uncertain significance (0 of 4 stars; one submission).

Conditions:
Prostate cancer. Also called: Malignant tumor of prostate. Identifiers: Orphanet 1331, MedGen C0376358, MONDO:0008315, HP:0012125.

Allele frequency attached by ClinVar (database versions not stated): gnomAD exomes below 0.00001.
gnomAD v4.1: 1 of 1,613,690 alleles (0.000062%); highest among the groups gnomAD compares: Non-Finnish European, 0.000085%; no homozygotes.

Submission:

Science for Life laboratory,  Karolinska Institutet
Classification: Uncertain significance for Malignant tumor of prostate. Review status: no assertion criteria provided. Collection method: not provided. Allele origin: somatic.
Comment: TumorID:SWE-90A
ClinVar note: Converted during submission from Unknown to Uncertain significance.

NM_012424.6(RPS6KC1):c.3163T>C (p.Phe1055Leu)

Gene: RPS6KC1 (ribosomal protein S6 kinase C1; plus strand). Cytogenetic location: 1q32.3.
Variant type: single nucleotide variant.
Coding change: c.3163T>C on transcript NM_012424.6 (MANE Select); coding-DNA position 3163, T replaced by C.
Protein change: p.Phe1055Leu; replaces phenylalanine 1055 with leucine.
Molecular consequence: missense variant. On other transcripts: non-coding transcript variant (4).
Genome position (GRCh38, 1-based): chr1:213,272,596, T>C. VCF-style: chr1-213272596-T-C. GRCh37 (hg19) VCF-style: chr1-213445939-T-C.
Other names: c.1768T>C, p.Phe590Leu (NM_001349663.2, NM_001349664.2, NM_001349665.2 and 7 more transcripts); c.1678T>C, p.Phe560Leu (NM_001349672.2); c.3127T>C, p.Phe1043Leu (NM_001136138.4); c.2527T>C, p.Phe843Leu (NM_001287218.3, NM_001287219.3, NM_001349654.2); c.2620T>C, p.Phe874Leu (NM_001287221.3, NM_001349648.2, NM_001349649.2 and 4 more transcripts); c.3070T>C, p.Phe1024Leu (NM_001349646.2); c.2800T>C, p.Phe934Leu (NM_001349647.2); c.2272T>C, p.Phe758Leu (NM_001349657.2, NM_001349658.2); and 1 more; short protein forms F1055L, F758L, F590L, F1024L, F843L, F1043L, F560L, F703L.
Identifiers: ClinVar variation 161662 (VCV000161662.2), dbSNP rs193921071, ClinGen allele CA174552.